The following is an entry in ClinVar:

NM_000020.3(ACVRL1):c.146C>T (p.Ala49Val)

Gene: ACVRL1 (activin A receptor like type 1; plus strand). Cytogenetic location: 12q13.13.
Variant type: single nucleotide variant.
Coding change: c.146C>T on transcript NM_000020.3 (MANE Select); coding-DNA position 146, C replaced by T.
Protein change: p.Ala49Val; replaces alanine 49 with valine.
Molecular consequence: missense variant. On other transcripts: intron variant (1).
Genome position (GRCh38, 1-based): chr12:51,913,183, C>T. VCF-style: chr12-51913183-C-T. GRCh37 (hg19) VCF-style: chr12-52306967-C-T.
Other names: c.146C>T, p.Ala49Val (NM_001077401.2, NM_001406487.1, NM_001406488.1 and 6 more transcripts); c.61+648C>T (NM_001406495.1); short protein forms A49V.
Identifiers: ClinVar variation 3907323 (VCV003907323.1).

ClinVar aggregate classification (germline): Uncertain significance (1 of 4 stars; one submission).

Submission:

Women's Health and Genetics/Laboratory Corporation of America, LabCorp
Classification: Uncertain significance. Last evaluated: 2025-06-27. Review status: criteria provided, single submitter. Criteria: LabCorp Variant Classification Summary - May 2015. Collection method: clinical testing. Allele origin: germline.
Comment: Variant summary: ACVRL1 c.146C>T (p.Ala49Val) results in a non-conservative amino acid change in the encoded protein sequence. Algorithms developed to predict the effect of missense changes on protein structure and function are either unavailable or do not agree on the potential impact of this missense change. The variant was absent in 218704 control chromosomes. The available data on variant occurrences in the general population are insufficient to allow any conclusion about variant significance. To our knowledge, no occurrence of c.146C>T in individuals affected with Hereditary Hemorrhagic Telangiectasia and no experimental evidence demonstrating its impact on protein function have been reported. No submitters have cited clinical-significance assessments for this variant to ClinVar. Based on the evidence outlined above, the variant was classified as uncertain significance.